The following is an entry in ClinVar:

ClinVar aggregate classification (germline): Uncertain significance (1 of 4 stars; one submission).

Conditions:
Hereditary breast ovarian cancer syndrome. Also called: Hereditary breast and ovarian cancer syndrome (HBOC); BRCA1- and BRCA2-Associated Hereditary Breast and Ovarian Cancer; Hereditary breast and/or ovarian cancer syndrome; Hereditary breast and ovarian cancer; Breast and ovarian cancer; Hereditary breast and ovarian cancer syndrome. Identifiers: Orphanet 145, MedGen C0677776, MeSH D061325, MONDO:0003582. Disease mechanism: loss of function.

gnomAD v4.1: 1 of 1,605,526 alleles (0.000062%); highest among the groups gnomAD compares: African/African-American, 0.0013%; no homozygotes.

Submission:

Labcorp Genetics (formerly Invitae), Labcorp
Classification: Uncertain significance for Hereditary breast ovarian cancer syndrome. Last evaluated: 2025-01-11. Review status: criteria provided, single submitter. Criteria: Invitae Variant Classification Sherloc (09022015). Collection method: clinical testing. Allele origin: germline.
Comment: This sequence change replaces isoleucine, which is neutral and non-polar, with methionine, which is neutral and non-polar, at codon 488 of the BRCA2 protein (p.Ile488Met). This variant is present in population databases (rs571155346, gnomAD 0.007%). This variant has not been reported in the literature in individuals affected with BRCA2-related conditions. Invitae Evidence Modeling of protein sequence and biophysical properties (such as structural, functional, and spatial information, amino acid conservation, physicochemical variation, residue mobility, and thermodynamic stability) indicates that this missense variant is not expected to disrupt BRCA2 protein function with a negative predictive value of 95%. In summary, the available evidence is currently insufficient to determine the role of this variant in disease. Therefore, it has been classified as a Variant of Uncertain Significance.

NM_000059.4(BRCA2):c.1464A>G (p.Ile488Met)

Gene: BRCA2 (BRCA2 DNA repair associated; plus strand). Cytogenetic location: 13q13.1.
Variant type: single nucleotide variant.
Coding change: c.1464A>G on transcript NM_000059.4 (MANE Select); coding-DNA position 1464, A replaced by G.
Protein change: p.Ile488Met; replaces isoleucine 488 with methionine.
Molecular consequence: missense variant. On other transcripts: non-coding transcript variant (1), intron variant (1).
Genome position (GRCh38, 1-based): chr13:32,332,942, A>G. VCF-style: chr13-32332942-A-G. GRCh37 (hg19) VCF-style: chr13-32907079-A-G.
Other names: c.1464A>G, p.Ile488Met (NM_001406719.1, NM_001406720.1, NM_001406721.1 and 1 more transcripts); c.424+1912A>G (NM_001406722.1); short protein forms I488M.
Identifiers: ClinVar variation 3673200 (VCV003673200.2).